The following is an entry in ClinVar:

NM_001134831.2(AHI1):c.2635G>A (p.Ala879Thr)

Gene: AHI1 (Abelson helper integration site 1; minus strand). Cytogenetic location: 6q23.3.
Variant type: single nucleotide variant.
Coding change: c.2635G>A on transcript NM_001134831.2 (MANE Select); coding-DNA position 2635, G replaced by A.
Protein change: p.Ala879Thr; replaces alanine 879 with threonine.
Molecular consequence: missense variant.
Genome position (GRCh38, 1-based): chr6:135,427,296, C>T on the plus strand (G>A on the coding strand, the complement: AHI1 is on the minus strand). VCF-style: chr6-135427296-C-T. GRCh37 (hg19) VCF-style: chr6-135748434-C-T.
Other names: c.2635G>A, p.Ala879Thr (NM_001134830.2, NM_001134832.2, NM_001350503.2 and 2 more transcripts); short protein forms A879T.
Identifiers: ClinVar variation 1493310 (VCV001493310.6), dbSNP rs764525761, ClinGen allele CA4012306.

ClinVar aggregate classification (germline): Uncertain significance (1 of 4 stars; one submission).

Conditions:
Joubert syndrome. Also called: CEREBELLOPARENCHYMAL DISORDER IV; JOUBERT-BOLTSHAUSER SYNDROME; Familial aplasia of the vermis. Identifiers: Orphanet 475, MedGen C5979921, MONDO:0018772.

Allele frequency attached by ClinVar (database versions not stated): gnomAD exomes below 0.00001 and 0.00001; ExAC 0.00001.
gnomAD v4.1: 3 of 1,608,528 alleles (0.00019%); highest among the groups gnomAD compares: Non-Finnish European, 0.00025%; no homozygotes.

Submission:

Labcorp Genetics (formerly Invitae), Labcorp
Classification: Uncertain significance for Joubert syndrome. Last evaluated: 2022-07-19. Review status: criteria provided, single submitter. Criteria: Invitae Variant Classification Sherloc (09022015). Collection method: clinical testing. Allele origin: germline.
Comment: ClinVar contains an entry for this variant (Variation ID: 1493310). In summary, the available evidence is currently insufficient to determine the role of this variant in disease. Therefore, it has been classified as a Variant of Uncertain Significance. Algorithms developed to predict the effect of missense changes on protein structure and function are either unavailable or do not agree on the potential impact of this missense change (SIFT: "Deleterious"; PolyPhen-2: "Benign"; Align-GVGD: "Class C0"). This variant has not been reported in the literature in individuals affected with AHI1-related conditions. This variant is not present in population databases (gnomAD no frequency). This sequence change replaces alanine, which is neutral and non-polar, with threonine, which is neutral and polar, at codon 879 of the AHI1 protein (p.Ala879Thr).